The following is an entry in ClinVar:

ClinVar aggregate classification (germline): Benign. Review status: criteria provided, multiple submitters, no conflicts (2 of 4 stars). 6 submissions from 6 submitters: Benign (6). Last evaluated 2026-02-04.

Allele frequency attached by ClinVar (database versions not stated): 1000 Genomes Project 30x 0.06918; 1000 Genomes Project 0.07049; TOPMed 0.09754; ESP Exome Variant Server 0.10741; ExAC 0.11964.
gnomAD v4.1: 221,518 of 1,613,640 alleles (14%); highest among the groups gnomAD compares: Non-Finnish European, 15%; 16,839 homozygotes.

Submissions (6):

Labcorp Genetics (formerly Invitae), Labcorp
Classification: Benign. Last evaluated: 2026-02-04. Review status: criteria provided, single submitter. Criteria: Invitae Variant Classification Sherloc (09022015). Collection method: clinical testing. Allele origin: germline.

Blueprint Genetics
Classification: Benign. Last evaluated: 2024-11-28. Review status: criteria provided, single submitter. Criteria: ACMG Guidelines, 2015. Collection method: clinical testing. Allele origin: germline.

Mayo Clinic Laboratories, Mayo Clinic
Classification: Benign. Last evaluated: 2022-04-26. Review status: criteria provided, single submitter. Criteria: ACMG Guidelines, 2015. Collection method: clinical testing. Allele origin: germline. Observed: 55 variant alleles.

GeneDx
Classification: Benign. Last evaluated: 2021-05-04. Review status: criteria provided, single submitter. Criteria: GeneDx Variant Classification Process June 2021. Collection method: clinical testing. Allele origin: germline. Affected: yes.

Laboratory for Molecular Medicine, Mass General Brigham Personalized Medicine
Classification: Benign. Last evaluated: 2016-03-28. Review status: criteria provided, single submitter. Criteria: LMM Criteria. Collection method: clinical testing. Allele origin: germline.
Comment: Variant identified in a genome or exome case(s) and assessed due to predicted null impact of the variant or pathogenic assertions in the literature or databases. Disclaimer: This variant has not undergone full assessment. The following are preliminary notes: Frequency

Breakthrough Genomics
Classification: Benign. Review status: criteria provided, single submitter. Criteria: ACMG Guidelines, 2015. Collection method: not provided. Allele origin: germline. Inheritance: Autosomal recessive inheritance. Affected: yes.

NM_001372.4(DNAH9):c.7513G>T (p.Val2505Leu)

Gene: DNAH9 (dynein axonemal heavy chain 9; plus strand). Cytogenetic location: 17p12.
Variant type: single nucleotide variant.
Coding change: c.7513G>T on transcript NM_001372.4 (MANE Select); coding-DNA position 7513, G replaced by T.
Protein change: p.Val2505Leu; replaces valine 2505 with leucine.
Molecular consequence: missense variant.
Genome position (GRCh38, 1-based): chr17:11,769,290, G>T. VCF-style: chr17-11769290-G-T. GRCh37 (hg19) VCF-style: chr17-11672607-G-T.
Other names: short protein forms V2505L.
Identifiers: ClinVar variation 402779 (VCV000402779.16), dbSNP rs61744697, ClinGen allele CA8396638.
Genomic context (GRCh38, chr17:11,769,290, plus strand): 5'-TCGGTGCTGGTGGGAGCTAAGCTGGCCAGCCTTGACCCCGAGGCATACCTGGTGAAAAAC[G>T]TGCCATTCAACTACTACACCACGTCAGCAATGCTGCAGGGTAAGCAGCCCAGGGCACCTG-3'
Protein context (NP_001363.2, residues 2495-2515): LDPEAYLVKN[Val2505Leu]PFNYYTTSAM